The following is an entry in ClinVar:

ClinVar aggregate classification (germline): Conflicting classifications of pathogenicity. Review status: criteria provided, conflicting classifications (1 of 4 stars). 18 submissions from 17 submitters: Pathogenic (7); Likely pathogenic (7); Uncertain significance (1). 3 of the submissions do not count toward it. Last evaluated 2026-08-09.

Conditions:
Male infertility with spermatogenesis disorder. Identifiers: Orphanet 399775, MedGen C5681167, MONDO:0018391.
Spermatogenic failure 28. Identifiers: MedGen C4748117, MONDO:0054732, OMIM 618086.
Premature ovarian failure 15. Identifiers: MedGen C4748170, MONDO:0054862, OMIM 618096.
FANCM-related disorder. Also called: FANCM-related condition.
Fanconi anemia (FA). Also called: Fanconi's anemia. Identifiers: Orphanet 84, MedGen C0015625, MeSH D005199, MONDO:0019391.
Fanconi anemia complementation group A (FANCA). Also called: FANCA-Related Fanconi Anemia; Fanconi anemia, group A. Identifiers: Orphanet 84, MedGen C3469521, MONDO:0009215, OMIM 227650.
Familial cancer of breast. Also called: hereditary breast carcinoma; BREAST CANCER, FAMILIAL; Hereditary breast cancer. Identifiers: Orphanet 227535, MedGen C0346153, MONDO:0016419, OMIM 114480. Disease mechanism: loss of function.

Allele frequency attached by ClinVar (database versions not stated): TOPMed 0.00031; ESP Exome Variant Server 0.00038; 1000 Genomes Project 30x 0.00078; 1000 Genomes Project 0.00080; gnomAD exomes 0.00095 and 0.00125; gnomAD 0.00099 and 0.00104; ExAC 0.00130.
gnomAD v4.1: 1,541 of 1,613,978 alleles (0.095%); highest among the groups gnomAD compares: Non-Finnish European, 0.074%; 3 homozygotes.

Submissions 1 to 12 of 18:

GeneDx
Classification: Likely pathogenic. Last evaluated: 2026-08-09. Review status: criteria provided, single submitter. Criteria: GeneDx Variant Classification Process June 2021. Collection method: clinical testing. Allele origin: germline.
Comment: Nonsense variant in the C-terminus predicted to result in protein truncation, as the last 348 amino acids are lost, with studies suggesting the truncated protein escapes nonsense-mediated decay (PMID: 25288723, 29231814); Published functional studies suggest a damaging effect: increased chromosome fragility, decreased cell survival, and reduced monoubiquination of FANCM in response to MMC and DEB exposure (PMID: 29231814, 31700994); Observed in the homozygous or compound heterozygous state in individuals without classic Fanconi anemia, but with bone marrow failure, chemotherapy toxicity, or reduced fertility (PMID: 29231814, 28837162, 30075111, 31942822); Observed in multiple individuals with breast cancer and incompletely segregates with disease in several affected families (PMID: 25288723, 26822949, 29231814, 28033443, 30426508, 31882575, 31991861, 34326862); Some case-control studies support an association with breast cancer, primarily with triple negative or ER negative disease (PMID: 25288723, 31700994, 36747679); This variant is associated with the following publications: (PMID: 24459294, 32054657, 25288723, 26822949, 27153395, 28678401, 28837162, 28702895, 28033443, 29231814, 30075111, 30426508, 26130695, 28837157, 29287190, 28881617, 27226120, 26067930, 28874143, 27542569, 30927251, 26740942, 25078778, 19423727, 16116422, 31700994, 30877237, 31882575, 29895858, 31991861, 32183364, 31942822, 26689913, 31263571, 33099839, 33025164, 32338768, 31589614, 34117267, 32099950, 32300589, 32467344, 31936873, 32680567, 32381463, 33804961, 34308104, 31345219, 35441217, 23932590, 17289582, 36551643, 24003026, 18174376, 19379763, 36901862, 36980738, 36099812, 36835452, 35802266, 36315097, 36747679, 29053726, 34887416, 35739278, 34326862, 33471991, 40060932, 38996041, 40763936, 40832744, 39272813, 38803632, 38496821, 38614076)

CeGaT Center for Human Genetics Tuebingen
Classification: Pathogenic. Last evaluated: 2026-07-01. Review status: criteria provided, single submitter. Criteria: CeGaT Center For Human Genetics Tuebingen Variant Classification Criteria Version 2. Collection method: clinical testing. Allele origin: germline. Affected: yes. Observed: 31 variant alleles.
Comment: FANCM: PVS1, PM3, PM2:Supporting

PreventionGenetics, part of Exact Sciences
Classification: Likely pathogenic for FANCM-related condition. Last evaluated: 2026-06-24. Review status: criteria provided, single submitter. Criteria: ACMG Guidelines, 2015. Collection method: clinical testing. Allele origin: germline.
Comment: The FANCM c.5101C>T variant is predicted to result in premature protein termination (p.Gln1701*). This variant has been reported in individuals with breast cancer and/or ovarian cancer (Kiiski et al. 2014. PubMed ID: 25288723; Lhota et al. 2016. PubMed ID: 26822949; Catucci et al. 2017. PubMed ID: 28837162; Schubert et al. 2019. PubMed ID: 30426508; Figlioli et al. 2020. PubMed ID: 31991861). This variant has also been reported in the homozygous state in patients with non-syndromic primary ovarian insufficiency (Fouquet et al. 2017. PubMed ID: 29231814) and non-obstructive azoospermia (Kasak et al. 2018. PubMed ID: 30075111). This variant is reported in 0.81% of alleles in individuals of European (Finnish) descent in gnomAD and has conflicting interpretations regarding its pathogenicity in ClinVar, ranging from uncertain to pathogenic (Variation ID: 412519). Nonsense variants in FANCM are expected to be pathogenic. This variant is interpreted as likely pathogenic.

Labcorp Genetics (formerly Invitae), Labcorp
Classification: Pathogenic for Fanconi anemia. Last evaluated: 2026-01-27. Review status: criteria provided, single submitter. Criteria: Invitae Variant Classification Sherloc (09022015). Collection method: clinical testing. Allele origin: germline.
Comment: This sequence change creates a premature translational stop signal (p.Gln1701*) in the FANCM gene. While this is not anticipated to result in nonsense mediated decay, it is expected to disrupt the last 348 amino acid(s) of the FANCM protein. This variant is present in population databases (rs147021911, gnomAD 0.8%), and has an allele count higher than expected for a pathogenic variant. This premature translational stop signal has been observed in individual(s) with breast cancer significantly more often than among controls (OR=1.86, 95% CI [1.26-2.75], p=0.0018), especially for individuals with familial breast cancer (OR=2.11, 95% CI [1.34-3.32], p=0.0012) or triple-negative breast cancer (OR=3.56, 95% CI [1.81-6.98], p=0.0002). When segregation studies were performed in 45 individuals from 8 breast cancer families carrying this variant, most of the families showed incomplete segregation with disease. These results are consistent with this variant being a low-to moderate-risk allele (PMID: 25288723). It has also been observed to segregate with disease in related individuals. ClinVar contains an entry for this variant (Variation ID: 412519). Algorithms developed to predict the effect of variants on gene product structure and function are not available or were not evaluated for this variant. Experimental studies have shown that this premature translational stop signal affects FANCM function (PMID: 31700994). This variant disrupts the C-terminal ERCC4 nuclease domain and the helix-hairpin-helix (HhH) motifs of the FANCM protein, which are critical for the interaction between FANCM and FAAP24, chromatin localization of the FANCM/FAAP24 complex and the activation of the FA core complex (PMID: 17289582, 23932590, 18174376, 19379763, 24003026). While functional studies have not been performed to directly test the effect of this variant on FANCM protein function, this suggests that disruption of this region of the protein may be causative of disease. For these reasons, this variant has been classified as Pathogenic.

Institute of Immunology and Genetics Kaiserslautern
Classification: Pathogenic for Premature ovarian failure 15. Last evaluated: 2025-11-13. Review status: criteria provided, single submitter. Criteria: ACMG Guidelines, 2015. Collection method: clinical testing. Allele origin: germline. Affected: yes.
Comment: ACMG Criteria: PVS1, PM2, PP5; Variant was found in heterozygous state.

Department of Clinical Genetics, Copenhagen University Hospital, Rigshospitalet
Classification: Likely pathogenic for Fanconi anemia. Last evaluated: 2025-02-04. Review status: criteria provided, single submitter. Criteria: ACMG Guidelines, 2015. Collection method: clinical testing. Allele origin: germline. Inheritance: Autosomal dominant inheritance.
Comment: PVS1; PS3_SUP

Blueprint Genetics
Classification: Uncertain significance. Last evaluated: 2024-11-25. Review status: criteria provided, single submitter. Criteria: ACMG Guidelines, 2015. Collection method: clinical testing. Allele origin: germline.

Fulgent Genetics
Classification: Likely pathogenic for Spermatogenic failure 28; Premature ovarian failure 15. Last evaluated: 2024-01-09. Review status: criteria provided, single submitter. Criteria: ACMG Guidelines, 2015. Collection method: clinical testing. Allele origin: germline.

Department of Pathology and Laboratory Medicine, Sinai Health System
Classification: Likely pathogenic for Spermatogenic failure 28; Premature ovarian failure 15. Last evaluated: 2023-11-09. Review status: criteria provided, single submitter. Criteria: ACMG Guidelines, 2015. Collection method: research. Allele origin: germline.

Laan Lab, Human Genetics Research Group, University of Tartu
Classification: Pathogenic for Male infertility with spermatogenesis disorder. Last evaluated: 2023-09-01. Review status: criteria provided, single submitter. Criteria: ACMG Guidelines, 2015. Collection method: research. Allele origin: germline. Inheritance: Oligogenic inheritance. Affected: yes. Observed: 1 homozygote.

Revvity Omics, Revvity
Classification: Likely pathogenic. Last evaluated: 2022-10-21. Review status: criteria provided, single submitter. Criteria: ACMG Guidelines, 2015. Collection method: clinical testing. Allele origin: germline.

Baylor Genetics
Classification: Pathogenic for Premature ovarian failure 15. Last evaluated: 2022-08-31. Review status: criteria provided, single submitter. Criteria: ACMG Guidelines, 2015. Collection method: clinical testing. Allele origin: unknown.

NM_020937.4(FANCM):c.5101C>T (p.Gln1701Ter)

Gene: FANCM (FA complementation group M; plus strand). Cytogenetic location: 14q21.2.
Variant type: single nucleotide variant.
Coding change: c.5101C>T on transcript NM_020937.4 (MANE Select); coding-DNA position 5101, C replaced by T.
Protein change: p.Gln1701Ter; replaces glutamine 1701 with a stop codon.
Molecular consequence: nonsense.
Genome position (GRCh38, 1-based): chr14:45,189,123, C>T. VCF-style: chr14-45189123-C-T. GRCh37 (hg19) VCF-style: chr14-45658326-C-T.
Other names: FANCM, GLN1701TER (rs147021911); c.5023C>T, p.Gln1675Ter (NM_001308133.2); c.5101C>T (LRG_502t1); short protein forms Q1701*, Q1675*.
Identifiers: ClinVar variation 412519 (VCV000412519.82), dbSNP rs147021911, ClinGen allele CA7169906.